The following is an entry in ClinVar:

ClinVar aggregate classification (germline): Uncertain significance (1 of 4 stars; one submission).

Submission:

GeneDx
Classification: Uncertain significance. Last evaluated: 2023-02-24. Review status: criteria provided, single submitter. Criteria: GeneDx Variant Classification Process June 2021. Collection method: clinical testing. Allele origin: germline. Affected: yes.
Comment: Not observed at significant frequency in large population cohorts (gnomAD); In silico analysis supports that this missense variant does not alter protein structure/function; Has not been previously published as pathogenic or benign to our knowledge

NM_003482.4(KMT2D):c.2495A>T (p.His832Leu)

Gene: KMT2D (lysine methyltransferase 2D; minus strand). Cytogenetic location: 12q13.12.
Variant type: single nucleotide variant.
Coding change: c.2495A>T on transcript NM_003482.4 (MANE Select); coding-DNA position 2495, A replaced by T.
Protein change: p.His832Leu; replaces histidine 832 with leucine.
Molecular consequence: missense variant.
Genome position (GRCh38, 1-based): chr12:49,051,188, T>A on the plus strand (A>T on the coding strand, the complement: KMT2D is on the minus strand). VCF-style: chr12-49051188-T-A. GRCh37 (hg19) VCF-style: chr12-49444971-T-A.
Other names: short protein forms H832L.
Identifiers: ClinVar variation 2577789 (VCV002577789.1), dbSNP rs2120665012, ClinGen allele CA384665681.